The following is an entry in ClinVar:

ClinVar aggregate classification (germline): Pathogenic (1 of 4 stars; one submission).

Conditions:
RPE65-related recessive retinopathy. Also called: Recessive RPE65 retinopathy. Identifiers: MedGen CN305526, MONDO:0100368.

Submission:

Myriad Genetics, Inc.
Classification: Pathogenic for RPE65-related recessive retinopathy. Last evaluated: 2024-05-14. Review status: criteria provided, single submitter. Criteria: Myriad Autosomal Dominant, Autosomal Recessive and X-Linked Classification Criteria (2023). Collection method: clinical testing. Allele origin: unknown.
Comment: NM_000329.2(RPE65):c.405del1ins12(N135Kfs*77) is expected to be pathogenic in the context of inherited retinal dystrophy, RPE65-related. This variant is predicted to lead to an abnormal or absent protein product due to the creation of a premature termination codon in RPE65, a gene where loss-of-function variants are known to be pathogenic. Please note: this variant was assessed in the context of healthy population screening.

NM_000329.3(RPE65):c.405delinsACAGCATAGAAA (p.Asn135fs)

Gene: RPE65 (retinoid isomerohydrolase RPE65; minus strand). Cytogenetic location: 1p31.3.
Variant type: Indel.
Coding change: c.405delinsACAGCATAGAAA on transcript NM_000329.3 (MANE Select); coding-DNA position 405, T replaced by ACAGCATAGAAA.
Protein change: p.Asn135fs; shifts the reading frame from asparagine 135.
Molecular consequence: frameshift variant.
Genome position (GRCh38, 1-based): chr1:68,444,621, A replaced by TTTCTATGCTGT on the plus strand (T replaced by ACAGCATAGAAA on the coding strand, the reverse complement: RPE65 is on the minus strand). VCF-style: chr1-68444621-A-TTTCTATGCTGT. GRCh37 (hg19) VCF-style: chr1-68910304-A-TTTCTATGCTGT.
Other names: c.297delinsACAGCATAGAAA, p.Asn99fs (NM_001406853.1); c.129delinsACAGCATAGAAA, p.Asn43fs (NM_001406856.1, NM_001406857.1); c.405delinsACAGCATAGAAA, p.Asn135fs (NM_001406859.1, NM_001406860.1); short protein forms N135fs, N43fs, N99fs.
Identifiers: ClinVar variation 5010848 (VCV005010848.1).